The following is an entry in ClinVar:

NM_004114.5(FGF13):c.693C>T (p.Gly231=)

Gene: FGF13 (fibroblast growth factor 13; minus strand). Cytogenetic location: Xq26.3.
Variant type: single nucleotide variant.
Coding change: c.693C>T on transcript NM_004114.5 (MANE Select); coding-DNA position 693, C replaced by T.
Protein change: p.Gly231=; no amino-acid change (glycine 231 retained).
Molecular consequence: synonymous variant.
Genome position (GRCh38, 1-based): chrX:138,632,895, G>A on the plus strand (C>T on the coding strand, the complement: FGF13 is on the minus strand). VCF-style: chrX-138632895-G-A. GRCh37 (hg19) VCF-style: chrX-137715056-G-A.
Other names: c.555C>T, p.Gly185= (NM_001139498.2); c.723C>T, p.Gly241= (NM_001139500.2); c.636C>T, p.Gly212= (NM_001139501.2, NM_001139502.2); c.534C>T, p.Gly178= (NM_033642.3); c.723C>T (NM_001139500.1).
Identifiers: ClinVar variation 710910 (VCV000710910.5), dbSNP rs374129615, ClinGen allele CA10529443.
Genomic context (GRCh38, chrX:138,632,895, plus strand): 5'-TTTTGCCCTCACTGGCTACGTTGATTCATTGTGGCTCATGGATTTGCCTCCGTTCAGCAC[G>A]CCAGAGACACTTCTGCTCTTGGTTGGGGTCCCGCTTCCAGATCGGGAGAACTCCGTGAGA-3'
Protein context (NP_004105.1, residues 221-241): GTPTKSRSVS[Gly231=]VLNGGKSMSH

ClinVar aggregate classification (germline): Benign/Likely benign. Review status: criteria provided, multiple submitters, no conflicts (2 of 4 stars). 3 submissions from 3 submitters: Benign (2); Likely benign (1). Last evaluated 2026-06-16.

Conditions:
FGF13-related disorder. Also called: FGF13-related condition.

Allele frequency attached by ClinVar (database versions not stated): ESP Exome Variant Server 0.00009; 1000 Genomes Project 30x 0.00042; gnomAD 0.00050 and 0.00063; TOPMed 0.00051; 1000 Genomes Project 0.00053; ExAC 0.00078; gnomAD exomes 0.00082.
gnomAD v4.1: 894 of 1,208,102 alleles (0.074%); highest among the groups gnomAD compares: Middle Eastern, 0.72%; 2 homozygotes.

Submissions (3):

PreventionGenetics, part of Exact Sciences
Classification: Likely benign for FGF13-related condition. Last evaluated: 2026-06-16. Review status: criteria provided, single submitter. Criteria: ACMG Guidelines, 2015. Collection method: clinical testing. Allele origin: germline.
Comment: This variant is classified as likely benign based on ACMG/AMP sequence variant interpretation guidelines (Richards et al. 2015 PMID: 25741868, with internal and published modifications).

Labcorp Genetics (formerly Invitae), Labcorp
Classification: Benign. Last evaluated: 2018-10-09. Review status: criteria provided, single submitter. Criteria: Invitae Variant Classification Sherloc (09022015). Collection method: clinical testing. Allele origin: germline.

Breakthrough Genomics
Classification: Benign. Review status: criteria provided, single submitter. Criteria: ACMG Guidelines, 2015. Collection method: not provided. Allele origin: germline. Inheritance: X-linked inheritance. Affected: yes.